The following is an entry in ClinVar:

ClinVar aggregate classification (germline): Uncertain significance. Review status: criteria provided, multiple submitters, no conflicts (2 of 4 stars). 2 submissions from 2 submitters: Uncertain significance (2). Last evaluated 2025-03-28.

Conditions:
FBXO31-related disorder. Also called: FBXO31-related condition.

Submissions (2):

Ambry Genetics
Classification: Uncertain significance. Last evaluated: 2025-03-28. Review status: criteria provided, single submitter. Criteria: Ambry Variant Classification Scheme 2023. Collection method: clinical testing. Allele origin: germline.

PreventionGenetics, part of Exact Sciences
Classification: Uncertain significance for FBXO31-related condition. Last evaluated: 2023-04-28. Review status: criteria provided, single submitter. Criteria: ACMG Guidelines, 2015. Collection method: clinical testing. Allele origin: germline.
Comment: The FBXO31 c.85G>A variant is predicted to result in the amino acid substitution p.Ala29Thr. To our knowledge, this variant has not been reported in the literature or in a large population database, indicating this variant is rare. At this time, the clinical significance of this variant is uncertain due to the absence of conclusive functional and genetic evidence.

NM_024735.5(FBXO31):c.85G>A (p.Ala29Thr)

Gene: FBXO31 (F-box protein 31; minus strand). Cytogenetic location: 16q24.2.
Variant type: single nucleotide variant.
Coding change: c.85G>A on transcript NM_024735.5 (MANE Select); coding-DNA position 85, G replaced by A.
Protein change: p.Ala29Thr; replaces alanine 29 with threonine.
Molecular consequence: missense variant. On other transcripts: intron variant (1).
Genome position (GRCh38, 1-based): chr16:87,383,660, C>T on the plus strand (G>A on the coding strand, the complement: FBXO31 is on the minus strand). VCF-style: chr16-87383660-C-T. GRCh37 (hg19) VCF-style: chr16-87417266-C-T.
Other names: c.-177+6077G>A (NM_001282683.2); c.85G>A (NM_024735.3); short protein forms A29T.
Identifiers: ClinVar variation 2633219 (VCV002633219.2), dbSNP rs1907190453, ClinGen allele CA397028785.